The following is an entry in ClinVar:

NM_182916.3(TRNT1):c.74A>G (p.Gln25Arg)

Gene: TRNT1 (tRNA nucleotidyl transferase 1; plus strand). Cytogenetic location: 3p26.2.
Variant type: single nucleotide variant.
Coding change: c.74A>G on transcript NM_182916.3 (MANE Select); coding-DNA position 74, A replaced by G.
Protein change: p.Gln25Arg; replaces glutamine 25 with arginine.
Molecular consequence: missense variant. On other transcripts: non-coding transcript variant (11).
Genome position (GRCh38, 1-based): chr3:3,129,114, A>G. VCF-style: chr3-3129114-A-G. GRCh37 (hg19) VCF-style: chr3-3170798-A-G.
Other names: c.74A>G, p.Gln25Arg (NM_001302946.2, NM_001367321.1, NM_001367322.1 and 1 more transcripts); short protein forms Q25R.
Identifiers: ClinVar variation 1968252 (VCV001968252.5), dbSNP rs764391872, ClinGen allele CA68723125.

ClinVar aggregate classification (germline): Uncertain significance (1 of 4 stars; one submission).

Conditions:
Congenital sideroblastic anemia-B-cell immunodeficiency-periodic fever-developmental delay syndrome. Also called: Sideroblastic anemia with B-cell immunodeficiency, periodic fevers, and developmental delay. Identifiers: Orphanet 369861, MedGen C4015172, MONDO:0014487, OMIM 616084.

Submission:

Labcorp Genetics (formerly Invitae), Labcorp
Classification: Uncertain significance for Congenital sideroblastic anemia-B-cell immunodeficiency-periodic fever-developmental delay syndrome. Last evaluated: 2025-01-15. Review status: criteria provided, single submitter. Criteria: Invitae Variant Classification Sherloc (09022015). Collection method: clinical testing. Allele origin: germline.
Comment: This sequence change replaces glutamine, which is neutral and polar, with arginine, which is basic and polar, at codon 25 of the TRNT1 protein (p.Gln25Arg). This variant is not present in population databases (gnomAD no frequency). This variant has not been reported in the literature in individuals affected with TRNT1-related conditions. ClinVar contains an entry for this variant (Variation ID: 1968252). An algorithm developed to predict the effect of missense changes on protein structure and function outputs the following: PolyPhen-2: "Benign". The arginine amino acid residue is found in multiple mammalian species, which suggests that this missense change does not adversely affect protein function. In summary, the available evidence is currently insufficient to determine the role of this variant in disease. Therefore, it has been classified as a Variant of Uncertain Significance.